The following is an entry in ClinVar:

NM_152269.5(MTRFR):c.120G>A (p.Pro40=)

Gene: MTRFR (mitochondrial translation release factor in rescue; plus strand). Cytogenetic location: 12q24.31.
Variant type: single nucleotide variant.
Coding change: c.120G>A on transcript NM_152269.5 (MANE Select); coding-DNA position 120, G replaced by A.
Protein change: p.Pro40=; no amino-acid change (proline 40 retained).
Molecular consequence: synonymous variant.
Genome position (GRCh38, 1-based): chr12:123,253,794, G>A. VCF-style: chr12-123253794-G-A. GRCh37 (hg19) VCF-style: chr12-123738341-G-A.
Other names: c.120G>A, p.Pro40= (NM_001143905.2, NM_001194995.1).
Identifiers: ClinVar variation 518004 (VCV000518004.9), dbSNP rs377142152, ClinGen allele CA6856521.

ClinVar aggregate classification (germline): Likely benign. Review status: criteria provided, multiple submitters, no conflicts (2 of 4 stars). 2 submissions from 2 submitters: Likely benign (2). Last evaluated 2025-11-19.

Conditions:
Spastic paraplegia. Identifiers: MedGen C0037772, HP:0001258.
Combined oxidative phosphorylation defect type 7. Identifiers: Orphanet 254930, MedGen C3150801, MONDO:0013306, OMIM 613559.

Allele frequency attached by ClinVar (database versions not stated): ExAC 0.00005; ESP Exome Variant Server 0.00008; TOPMed 0.00009; gnomAD 0.00010 and 0.00011; gnomAD exomes 0.00010; 1000 Genomes Project 30x 0.00016; 1000 Genomes Project 0.00020.
gnomAD v4.1: 84 of 1,614,150 alleles (0.0052%); highest among the groups gnomAD compares: Admixed American, 0.04%; no homozygotes.

Submissions (2):

Labcorp Genetics (formerly Invitae), Labcorp
Classification: Likely benign for Combined oxidative phosphorylation defect type 7; Spastic paraplegia. Last evaluated: 2025-11-19. Review status: criteria provided, single submitter. Criteria: Invitae Variant Classification Sherloc (09022015). Collection method: clinical testing. Allele origin: germline.

GeneDx
Classification: Likely benign. Last evaluated: 2017-07-17. Review status: criteria provided, single submitter. Criteria: GeneDx Variant Classification (06012015). Collection method: clinical testing. Allele origin: germline. Affected: yes.
Comment: This variant is considered likely benign or benign based on one or more of the following criteria: it is a conservative change, it occurs at a poorly conserved position in the protein, it is predicted to be benign by multiple in silico algorithms, and/or has population frequency not consistent with disease.